The following is an entry in ClinVar:

ClinVar aggregate classification (germline): Uncertain significance. Review status: criteria provided, multiple submitters, no conflicts (2 of 4 stars). 2 submissions from 2 submitters: Uncertain significance (2). Last evaluated 2025-09-26.

Conditions:
Hereditary cancer-predisposing syndrome. Also called: Tumor predisposition; Hereditary Cancer Syndrome; Hereditary neoplastic syndrome; Neoplastic Syndromes, Hereditary. Identifiers: Orphanet 140162, MedGen C0027672, MeSH D009386, MONDO:0015356.
Familial adenomatous polyposis 1 (FAP1). Also called: FAMILIAL ADENOMATOUS POLYPOSIS 1, ATTENUATED; POLYPOSIS, ADENOMATOUS INTESTINAL. Identifiers: MedGen C2713442, MONDO:0021056, OMIM 175100. Disease mechanism: loss of function.

Submissions (2):

Ambry Genetics
Classification: Uncertain significance for Hereditary cancer-predisposing syndrome. Last evaluated: 2025-09-26. Review status: criteria provided, single submitter. Criteria: Ambry Variant Classification Scheme 2023. Collection method: clinical testing. Allele origin: germline.
Comment: The p.R1103G variant (also known as c.3307A>G), located in coding exon 15 of the APC gene, results from an A to G substitution at nucleotide position 3307. The arginine at codon 1103 is replaced by glycine, an amino acid with dissimilar properties. This amino acid position is conserved. In addition, in silico predictors for this gene do not accurately predict pathogenicity. Based on the available evidence, the clinical significance of this variant remains unclear.

Labcorp Genetics (formerly Invitae), Labcorp
Classification: Uncertain significance for Familial adenomatous polyposis 1. Last evaluated: 2025-07-09. Review status: criteria provided, single submitter. Criteria: Invitae Variant Classification Sherloc (09022015). Collection method: clinical testing. Allele origin: germline.
Comment: This sequence change replaces arginine, which is basic and polar, with glycine, which is neutral and non-polar, at codon 1103 of the APC protein (p.Arg1103Gly). This variant is not present in population databases (gnomAD no frequency). This variant has not been reported in the literature in individuals affected with APC-related conditions. Invitae Evidence Modeling of protein sequence and biophysical properties (such as structural, functional, and spatial information, amino acid conservation, physicochemical variation, residue mobility, and thermodynamic stability) indicates that this missense variant is not expected to disrupt APC protein function with a negative predictive value of 95%. In summary, the available evidence is currently insufficient to determine the role of this variant in disease. Therefore, it has been classified as a Variant of Uncertain Significance.

NM_000038.6(APC):c.3307A>G (p.Arg1103Gly)

Gene: APC (APC regulator of Wnt signaling pathway; plus strand). Cytogenetic location: 5q22.2.
Variant type: single nucleotide variant.
Coding change: c.3307A>G on transcript NM_000038.6 (MANE Select); coding-DNA position 3307, A replaced by G.
Protein change: p.Arg1103Gly; replaces arginine 1103 with glycine.
Molecular consequence: missense variant. On other transcripts: non-coding transcript variant (2).
Genome position (GRCh38, 1-based): chr5:112,838,901, A>G. VCF-style: chr5-112838901-A-G. GRCh37 (hg19) VCF-style: chr5-112174598-A-G.
Other names: c.3307A>G, p.Arg1103Gly (NM_001127510.3, NM_001354895.2, NM_001407450.1); c.3253A>G, p.Arg1085Gly (NM_001127511.3); c.3361A>G, p.Arg1121Gly (NM_001354896.2, NM_001407447.1, NM_001407448.1 and 1 more transcripts); c.3337A>G, p.Arg1113Gly (NM_001354897.2); c.3232A>G, p.Arg1078Gly (NM_001354898.2); c.3223A>G, p.Arg1075Gly (NM_001354899.2); c.3184A>G, p.Arg1062Gly (NM_001354900.2); c.3130A>G, p.Arg1044Gly (NM_001354901.2, NM_001407453.1); and 11 more; short protein forms R1012G, R1113G, R974G, R977G, R1002G, R1020G, R1062G, R1075G.
Identifiers: ClinVar variation 4560600 (VCV004560600.2).